The following is an entry in ClinVar:

NM_000081.4(LYST):c.1589A>G (p.Lys530Arg)

Gene: LYST (lysosomal trafficking regulator; minus strand). Cytogenetic location: 1q42.3.
Variant type: single nucleotide variant.
Coding change: c.1589A>G on transcript NM_000081.4 (MANE Select); coding-DNA position 1589, A replaced by G.
Protein change: p.Lys530Arg; replaces lysine 530 with arginine.
Molecular consequence: missense variant.
Genome position (GRCh38, 1-based): chr1:235,809,229, T>C on the plus strand (A>G on the coding strand, the complement: LYST is on the minus strand). VCF-style: chr1-235809229-T-C. GRCh37 (hg19) VCF-style: chr1-235972529-T-C.
Other names: c.1589A>G, p.Lys530Arg (NM_001301365.1); short protein forms K530R.
Identifiers: ClinVar variation 4743320 (VCV004743320.1).

ClinVar aggregate classification (germline): Uncertain significance (1 of 4 stars; one submission).

Conditions:
Chédiak-Higashi syndrome (CHS). Also called: Chediak-Higashi Syndrome. Identifiers: Orphanet 167, MedGen C0007965, MONDO:0008963, OMIM 214500.

gnomAD v4.1: 2 of 1,613,856 alleles (0.00012%); highest among the groups gnomAD compares: African/African-American, 0.0013%; no homozygotes.

Submission:

Labcorp Genetics (formerly Invitae), Labcorp
Classification: Uncertain significance for Chédiak-Higashi syndrome. Last evaluated: 2025-06-15. Review status: criteria provided, single submitter. Criteria: Invitae Variant Classification Sherloc (09022015). Collection method: clinical testing. Allele origin: germline.
Comment: This sequence change replaces lysine, which is basic and polar, with arginine, which is basic and polar, at codon 530 of the LYST protein (p.Lys530Arg). This variant is not present in population databases (gnomAD no frequency). This variant has not been reported in the literature in individuals affected with LYST-related conditions. Invitae Evidence Modeling of protein sequence and biophysical properties (such as structural, functional, and spatial information, amino acid conservation, physicochemical variation, residue mobility, and thermodynamic stability) indicates that this missense variant is not expected to disrupt LYST protein function with a negative predictive value of 80%. In summary, the available evidence is currently insufficient to determine the role of this variant in disease. Therefore, it has been classified as a Variant of Uncertain Significance.